The following is an entry in ClinVar:

NM_170682.4(P2RX2):c.635+1del

Gene: P2RX2 (purinergic receptor P2X 2; plus strand). Cytogenetic location: 12q24.33.
Variant type: Deletion.
Coding change: c.635+1del on transcript NM_170682.4 (MANE Select); the canonical splice donor site of the intron after coding-DNA position 635, one base deleted (G; older notation c.635+1delG).
Molecular consequence: splice donor variant.
Genome position (GRCh38, 1-based): chr12:132,620,348, G deleted. VCF-style (leftmost placement, unchanged base first): chr12-132620347-AG-A. GRCh37 (hg19) VCF-style: chr12-133196933-AG-A.
Other names: c.635+1del (NM_001282165.2, NM_170683.4, NM_174873.3); c.563+1del (NM_016318.4); c.528+1del (NM_001282164.2); c.419+1del (NM_012226.5); c.359+1del (NM_174872.3).
Identifiers: ClinVar variation 1344978 (VCV001344978.2), dbSNP rs769179097, ClinGen allele CA6891573.

ClinVar aggregate classification (germline): Uncertain significance (1 of 4 stars; one submission).

Allele frequency attached by ClinVar (database versions not stated): gnomAD exomes below 0.00001 and 0.00002; TOPMed below 0.00001; ExAC 0.00001; gnomAD 0.00001.

Submission:

GeneDx
Classification: Uncertain significance. Last evaluated: 2022-03-15. Review status: criteria provided, single submitter. Criteria: GeneDx Variant Classification Process June 2021. Collection method: clinical testing. Allele origin: germline. Affected: yes.
Comment: Canonical splice site variant in a gene for which loss-of-function is not a known mechanism of disease; Has not been previously published as pathogenic or benign to our knowledge